The following is an entry in ClinVar:

ClinVar aggregate classification (germline): Uncertain significance. Review status: criteria provided, multiple submitters, no conflicts (2 of 4 stars). 2 submissions from 2 submitters: Uncertain significance (2). Last evaluated 2025-12-01.

Conditions:
SLC10A2-related disorder. Also called: SLC10A2-related condition.

Allele frequency attached by ClinVar (database versions not stated): ExAC 0.00005; gnomAD 0.00001; TOPMed 0.00002; ESP Exome Variant Server 0.00008.

Submissions (2):

Labcorp Genetics (formerly Invitae), Labcorp
Classification: Uncertain significance. Last evaluated: 2025-12-01. Review status: criteria provided, single submitter. Criteria: Invitae Variant Classification Sherloc (09022015). Collection method: clinical testing. Allele origin: germline.
Comment: This sequence change replaces valine, which is neutral and non-polar, with methionine, which is neutral and non-polar, at codon 53 of the SLC10A2 protein (p.Val53Met). This variant is present in population databases (rs140894103, gnomAD 0.02%). This variant has not been reported in the literature in individuals affected with SLC10A2-related conditions. ClinVar contains an entry for this variant (Variation ID: 2635038). Invitae Evidence Modeling of protein sequence and biophysical properties (such as structural, functional, and spatial information, amino acid conservation, physicochemical variation, residue mobility, and thermodynamic stability) indicates that this missense variant is not expected to disrupt SLC10A2 protein function with a negative predictive value of 80%. In summary, the available evidence is currently insufficient to determine the role of this variant in disease. Therefore, it has been classified as a Variant of Uncertain Significance.

PreventionGenetics, part of Exact Sciences
Classification: Uncertain significance for SLC10A2-related condition. Last evaluated: 2023-08-30. Review status: criteria provided, single submitter. Criteria: ACMG Guidelines, 2015. Collection method: clinical testing. Allele origin: germline.
Comment: The SLC10A2 c.157G>A variant is predicted to result in the amino acid substitution p.Val53Met. To our knowledge, this variant has not been reported in the literature. This variant is reported in 0.016% of alleles in individuals of South Asian descent in gnomAD. At this time, the clinical significance of this variant is uncertain due to the absence of conclusive functional and genetic evidence.

NM_000452.3(SLC10A2):c.157G>A (p.Val53Met)

Gene: SLC10A2 (solute carrier family 10 member 2; minus strand). Cytogenetic location: 13q33.1.
Variant type: single nucleotide variant.
Coding change: c.157G>A on transcript NM_000452.3 (MANE Select); coding-DNA position 157, G replaced by A.
Protein change: p.Val53Met; replaces valine 53 with methionine.
Molecular consequence: missense variant.
Genome position (GRCh38, 1-based): chr13:103,066,093, C>T on the plus strand (G>A on the coding strand, the complement: SLC10A2 is on the minus strand). VCF-style: chr13-103066093-C-T. GRCh37 (hg19) VCF-style: chr13-103718443-C-T.
Other names: short protein forms V53M.
Identifiers: ClinVar variation 2635038 (VCV002635038.4), dbSNP rs140894103, ClinGen allele CA7042328.